The following is an entry in ClinVar:

NC_000009.12:g.(?_21974668)_(21994341_?)del

Gene: CDKN2A (cyclin dependent kinase inhibitor 2A; minus strand). Cytogenetic location: 9p21.3.
Variant type: Deletion.
Identifiers: ClinVar variation 833264 (VCV000833264.1).

ClinVar aggregate classification (germline): Pathogenic (1 of 4 stars; one submission).

Conditions:
Familial melanoma. Also called: Hereditary melanoma; Hereditary cutaneous melanoma. Identifiers: Orphanet 618, MedGen C1512419, MONDO:0018961.

Submission:

Labcorp Genetics (formerly Invitae), Labcorp
Classification: Pathogenic for Hereditary cutaneous melanoma. Last evaluated: 2019-02-22. Review status: criteria provided, single submitter. Criteria: Invitae Variant Classification Sherloc (09022015). Collection method: clinical testing. Allele origin: germline.
Comment: The CDKN2A gene encodes two different proteins, p16INK4a and p14ARF, which are translated from alternative transcripts that have different open reading frames. This variant is a gross deletion of the genomic region encompassing exon 1 of the CDKN2A (p16INK4a) gene and exon 1 of the CDKN2A (p14ARF) gene. This variant includes the initiator codons of both the transcripts that encode for the p16INK4a and p14ARF proteins. The 5' end of this event is unknown as it extends beyond the assayed region for this gene and therefore may encompass additional genes. The 3' boundary is likely confined to intron 1 of the CDKN2A gene. This deletion is expected to result in an absent or disrupted p16INK4a and p14ARF proteins. Distinct deletions of exon 1 have been reported to segregate with disease in multiple families affected with melanoma and nervous system tumors (PMID: 11136714, 16032697, 15937071). The penetrance of these deletions with respect to nervous system tumors (NST) is uncertain, however, as most carriers had no NST manifestations at the time of these reports. While this particular variant has not been reported in the literature, loss-of-function variants in CDKN2A (p16INK4a) are known to be pathogenic (PMID: 15146471, 16905682). For these reasons, this variant has been classified as Pathogenic.

Literature cited by the submitters: PubMed 11136714; PubMed 15937071; PubMed 15146471; PubMed 16032697; PubMed 16905682.